The following is an entry in ClinVar:

NM_001379081.2(FREM1):c.3857T>G (p.Met1286Arg)

Gene: FREM1 (FRAS1 related extracellular matrix 1; minus strand). Cytogenetic location: 9p22.3.
Variant type: single nucleotide variant.
Coding change: c.3857T>G on transcript NM_001379081.2 (MANE Select); coding-DNA position 3857, T replaced by G.
Protein change: p.Met1286Arg; replaces methionine 1286 with arginine.
Molecular consequence: missense variant. On other transcripts: non-coding transcript variant (2).
Genome position (GRCh38, 1-based): chr9:14,792,867, A>C on the plus strand (T>G on the coding strand, the complement: FREM1 is on the minus strand). VCF-style: chr9-14792867-A-C. GRCh37 (hg19) VCF-style: chr9-14792865-A-C.
Other names: c.3857T>G, p.Met1286Arg (NM_144966.7); short protein forms M1286R.
Identifiers: ClinVar variation 282563 (VCV000282563.10), dbSNP rs375951503, ClinGen allele CA4990388.

ClinVar aggregate classification (germline): Uncertain significance. Review status: criteria provided, multiple submitters, no conflicts (2 of 4 stars). 4 submissions from 4 submitters: Uncertain significance (4). Last evaluated 2025-08-11.

Conditions:
Inborn genetic diseases. Identifiers: MedGen C0950123, MeSH D030342.
Oculotrichoanal syndrome (MOTA). Also called: MARLES SYNDROME; Manitoba Oculotrichoanal (MOTA) Syndrome. Identifiers: Orphanet 2717, MedGen C1855425, MONDO:0009560, OMIM 248450.
BNAR syndrome. Also called: Bifid Nose With or Without Anorectal and Renal Anomalies (BNAR) Syndrome. Identifiers: Orphanet 217266, MedGen C2750433, MONDO:0012165, OMIM 608980.
Trigonocephaly 2 (TRIGNO2). Identifiers: Orphanet 3366, MedGen C3280974, MONDO:0013774, OMIM 614485.

Allele frequency attached by ClinVar (database versions not stated): gnomAD exomes 0.00008 and 0.00017; ExAC 0.00010; TOPMed 0.00011; gnomAD 0.00013; ESP Exome Variant Server 0.00017.

Submissions (4):

Ambry Genetics
Classification: Uncertain significance for Inborn genetic diseases. Last evaluated: 2025-08-11. Review status: criteria provided, single submitter. Criteria: Ambry Variant Classification Scheme 2023. Collection method: clinical testing. Allele origin: germline.

Labcorp Genetics (formerly Invitae), Labcorp
Classification: Uncertain significance. Last evaluated: 2022-05-25. Review status: criteria provided, single submitter. Criteria: Invitae Variant Classification Sherloc (09022015). Collection method: clinical testing. Allele origin: germline.
Comment: In summary, the available evidence is currently insufficient to determine the role of this variant in disease. Therefore, it has been classified as a Variant of Uncertain Significance. Algorithms developed to predict the effect of missense changes on protein structure and function are either unavailable or do not agree on the potential impact of this missense change (SIFT: "Deleterious"; PolyPhen-2: "Benign"; Align-GVGD: "Class C0"). ClinVar contains an entry for this variant (Variation ID: 282563). This variant has not been reported in the literature in individuals affected with FREM1-related conditions. This variant is present in population databases (rs375951503, gnomAD 0.02%). This sequence change replaces methionine, which is neutral and non-polar, with arginine, which is basic and polar, at codon 1286 of the FREM1 protein (p.Met1286Arg).

Fulgent Genetics
Classification: Uncertain significance for Oculotrichoanal syndrome; BNAR syndrome; Trigonocephaly 2. Last evaluated: 2021-12-03. Review status: criteria provided, single submitter. Criteria: ACMG Guidelines, 2015. Collection method: clinical testing. Allele origin: unknown.

Eurofins Ntd Llc (ga)
Classification: Uncertain significance. Last evaluated: 2018-07-09. Review status: criteria provided, single submitter. Criteria: EGL ClinVar v180209 classification definitions. Collection method: clinical testing. Allele origin: germline. Observed: 2 variant alleles, 2 heterozygotes.